The following is an entry in ClinVar:

ClinVar aggregate classification (germline): Likely pathogenic (1 of 4 stars; one submission).

gnomAD v4.1: 3 of 1,613,818 alleles (0.00019%); highest among the groups gnomAD compares: Middle Eastern, 0.017%; no homozygotes.

Submission:

Labcorp Genetics (formerly Invitae), Labcorp
Classification: Likely pathogenic. Last evaluated: 2024-10-12. Review status: criteria provided, single submitter. Criteria: Invitae Variant Classification Sherloc (09022015). Collection method: clinical testing. Allele origin: germline.
Comment: This sequence change affects an acceptor splice site in intron 5 of the CDK5RAP2 gene. It is expected to disrupt RNA splicing. Variants that disrupt the donor or acceptor splice site typically lead to a loss of protein function (PMID: 16199547), and loss-of-function variants in CDK5RAP2 are known to be pathogenic (PMID: 15793586, 20460369, 26436113). This variant is not present in population databases (gnomAD no frequency). This variant has not been reported in the literature in individuals affected with CDK5RAP2-related conditions. Algorithms developed to predict the effect of sequence changes on RNA splicing suggest that this variant may disrupt the consensus splice site. In summary, the currently available evidence indicates that the variant is pathogenic, but additional data are needed to prove that conclusively. Therefore, this variant has been classified as Likely Pathogenic.

Literature cited by the submitters: PubMed 16199547; PubMed 15793586; PubMed 20460369; PubMed 26436113.

NM_018249.6(CDK5RAP2):c.384-1G>A

Gene: CDK5RAP2 (CDK5 regulatory subunit associated protein 2; minus strand). Cytogenetic location: 9q33.2.
Variant type: single nucleotide variant.
Coding change: c.384-1G>A on transcript NM_018249.6 (MANE Select); the canonical splice acceptor site of the intron before coding-DNA position 384, G replaced by A.
Molecular consequence: splice acceptor variant.
Genome position (GRCh38, 1-based): chr9:120,539,165, C>T on the plus strand (G>A on the coding strand, the complement: CDK5RAP2 is on the minus strand). VCF-style: chr9-120539165-C-T. GRCh37 (hg19) VCF-style: chr9-123301443-C-T.
Other names: c.384-1G>A (NM_001272039.2, NM_001410992.1, NM_001410994.1 and 2 more transcripts).
Identifiers: ClinVar variation 3713413 (VCV003713413.2).
Genomic context (GRCh38, chr9:120,539,165, plus strand): 5'-TCTTCTTTCACCCGCTGGATTTCAGAGCCACCTGCTTCAGCTAAGCTCTCAACTGCTTTG[C>T]TGCAAAAAGAGGCACAGGGGTAAAACATGCAAGGGTGATGGTCTGATGGTTATTTCACAG-3'